The following is an entry in ClinVar:

ClinVar aggregate classification (germline): Pathogenic. Review status: criteria provided, multiple submitters, no conflicts (2 of 4 stars). 4 submissions from 4 submitters: Pathogenic (4). Last evaluated 2026-04-12.

Conditions:
PCARE-related disorder. Also called: PCARE-related condition.

Submissions (4):

PreventionGenetics, part of Exact Sciences
Classification: Pathogenic for PCARE-related condition. Last evaluated: 2026-04-12. Review status: criteria provided, single submitter. Criteria: ACMG Guidelines, 2015. Collection method: clinical testing. Allele origin: germline.
Comment: The PCARE c.2227_2228delAG variant is predicted to result in a frameshift and premature protein termination (p.Leu744Glufs*7). This variant has been reported along with a second causative PCARE variant in an individual with cone-rod dystrophy and in two related family members with retinitis pigmentosa (Tiwari et al. 2016. PubMed ID: 27353947; Gerth-Kahlert et al. 2017. PubMed ID: 28763557). This variant has not been reported in a large population database (gnomAD), indicating this variant is rare. Frameshift variants in PCARE are expected to be pathogenic. This variant is interpreted as pathogenic.

Labcorp Genetics (formerly Invitae), Labcorp
Classification: Pathogenic. Last evaluated: 2022-09-18. Review status: criteria provided, single submitter. Criteria: Invitae Variant Classification Sherloc (09022015). Collection method: clinical testing. Allele origin: germline.
Comment: For these reasons, this variant has been classified as Pathogenic. This premature translational stop signal has been observed in individual(s) with inherited retinal dystrophy (PMID: 27353947, 28763557). In at least one individual the data is consistent with being in trans (on the opposite chromosome) from a pathogenic variant. It has also been observed to segregate with disease in related individuals. This variant is not present in population databases (gnomAD no frequency). This sequence change creates a premature translational stop signal (p.Leu744Glufs*7) in the PCARE gene. It is expected to result in an absent or disrupted protein product. Loss-of-function variants in PCARE are known to be pathogenic (PMID: 20398886, 24339724, 26496393).

Revvity Omics, Revvity
Classification: Pathogenic. Last evaluated: 2020-06-25. Review status: criteria provided, single submitter. Criteria: ACMG Guidelines, 2015. Collection method: clinical testing. Allele origin: germline.

Eurofins Ntd Llc (ga)
Classification: Pathogenic. Last evaluated: 2016-07-12. Review status: criteria provided, single submitter. Criteria: EGL Classification Definitions 2015. Collection method: clinical testing. Allele origin: germline. Observed: 1 variant allele, 1 heterozygote.

Literature cited by the submitters: PubMed 27353947 (cited by Labcorp Genetics (formerly Invitae), Labcorp); PubMed 28763557 (cited by Labcorp Genetics (formerly Invitae), Labcorp); PubMed 20398886 (cited by Labcorp Genetics (formerly Invitae), Labcorp); PubMed 24339724 (cited by Labcorp Genetics (formerly Invitae), Labcorp); PubMed 26496393 (cited by Labcorp Genetics (formerly Invitae), Labcorp).

NM_001029883.3(PCARE):c.2227_2228del (p.Leu744fs)

Gene: PCARE (photoreceptor cilium actin regulator; minus strand). Cytogenetic location: 2p23.2.
Variant type: Microsatellite.
Coding change: c.2227_2228del on transcript NM_001029883.3 (MANE Select); coding-DNA positions 2227 to 2228, 2 bases deleted (AG; older notation c.2227_2228delAG).
Protein change: p.Leu744fs; shifts the reading frame from leucine 744.
Molecular consequence: frameshift variant.
Genome position (GRCh38, 1-based): chr2:29,072,034-29,072,035, CT deleted on the plus strand (AG on the coding strand, the reverse complement: PCARE is on the minus strand); deleting any 2 consecutive bases within chr2:29,072,034-29,072,038 gives the same sequence; the c. name uses the placement nearest the transcript's 3' end. VCF-style (leftmost placement, unchanged base first): chr2-29072033-ACT-A. GRCh37 (hg19) VCF-style: chr2-29294899-ACT-A.
Other names: c.2227_2228del (NM_001029883.2); c.2227_2228delAG (NM_001029883.2); short protein forms L744fs.
Identifiers: ClinVar variation 288774 (VCV000288774.16), dbSNP rs886044002, ClinGen allele CA10606215.